The following is an entry in ClinVar:

ClinVar aggregate classification (germline): Uncertain significance (1 of 4 stars; one submission).

Conditions:
Hereditary cancer-predisposing syndrome. Also called: Hereditary Cancer Syndrome; Hereditary neoplastic syndrome; Neoplastic Syndromes, Hereditary; Tumor predisposition. Identifiers: Orphanet 140162, MedGen C0027672, MeSH D009386, MONDO:0015356.

Submission:

Ambry Genetics
Classification: Uncertain significance for Hereditary cancer-predisposing syndrome. Last evaluated: 2026-08-21. Review status: criteria provided, single submitter. Criteria: Ambry Variant Classification Scheme 2023. Collection method: clinical testing. Allele origin: germline.
Comment: The p.C1125S variant (also known as c.3373T>A), located in coding exon 15 of the MET gene, results from a T to A substitution at nucleotide position 3373. The cysteine at codon 1125 is replaced by serine, an amino acid with dissimilar properties. This amino acid position is highly conserved in available vertebrate species. In addition, this alteration is predicted to be deleterious by in silico analysis. Based on the available evidence, the clinical significance of this variant remains unclear.

NM_000245.4(MET):c.3319T>A (p.Cys1107Ser)

Gene: MET (MET proto-oncogene, receptor tyrosine kinase; plus strand). Cytogenetic location: 7q31.2.
Variant type: single nucleotide variant.
Coding change: c.3319T>A on transcript NM_000245.4 (MANE Select); coding-DNA position 3319, T replaced by A.
Protein change: p.Cys1107Ser; replaces cysteine 1107 with serine.
Molecular consequence: missense variant.
Genome position (GRCh38, 1-based): chr7:116,777,448, T>A. VCF-style: chr7-116777448-T-A. GRCh37 (hg19) VCF-style: chr7-116417502-T-A.
Other names: c.3373T>A, p.Cys1125Ser (NM_001127500.3); c.2029T>A, p.Cys677Ser (NM_001324402.2); short protein forms C1125S, C677S, C1107S.
Identifiers: ClinVar variation 1730756 (VCV001730756.3), dbSNP rs2485816369, ClinGen allele CA368989808.